The following is an entry in ClinVar:

NM_001205254.2(OCLN):c.50+2T>C

Gene: OCLN (occludin; plus strand). Cytogenetic location: 5q13.2.
Variant type: single nucleotide variant.
Coding change: c.50+2T>C on transcript NM_001205254.2 (MANE Select); the canonical splice donor site of the intron after coding-DNA position 50, T replaced by C.
Molecular consequence: splice donor variant.
Genome position (GRCh38, 1-based): chr5:69,504,296, T>C. VCF-style: chr5-69504296-T-C. GRCh37 (hg19) VCF-style: chr5-68800123-T-C.
Other names: c.50+2T>C (NM_001438604.1, NM_002538.4, NM_001410743.1 and 1 more transcripts); c.-25+2T>C (NM_001205255.2).
Identifiers: ClinVar variation 1029458 (VCV001029458.1), dbSNP rs1580547828, ClinGen allele CA360072870.
Genomic context (GRCh38, chr5:69,504,296, plus strand): 5'-CAATCAGCCATGTCATCCAGGCCTCTTGAAAGTCCACCTCCTTACAGGCCTGATGAATTG[T>C]AAGTAAATAATTCTTTAGTTATTCTCTTTTAAAAAGTCTATCACATGTAAACAATAAGTA-3'

ClinVar aggregate classification (germline): Likely pathogenic (1 of 4 stars; one submission).

Conditions:
Pseudo-TORCH syndrome 1 (PTORCH1). Identifiers: Orphanet 1229, MedGen C4552078, MONDO:0020789, OMIM 251290.

Allele frequency attached by ClinVar (database versions not stated): gnomAD exomes below 0.00001.
gnomAD v4.1: 1 of 1,558,954 alleles (0.000064%); highest among the groups gnomAD compares: Admixed American, 0.0017%; no homozygotes.

Submission:

Baylor Genetics
Classification: Likely pathogenic for Pseudo-TORCH syndrome 1. Last evaluated: 2019-10-19. Review status: criteria provided, single submitter. Criteria: ACMG Guidelines, 2015. Collection method: clinical testing. Allele origin: unknown. Affected: yes.
Comment: This variant was determined to be likely pathogenic according to ACMG Guidelines, 2015 [PMID:25741868].